The following is an entry in ClinVar:

NM_015213.4(DENND5A):c.1324G>C (p.Glu442Gln)

Gene: DENND5A (DENN domain containing 5A; minus strand). Cytogenetic location: 11p15.4.
Variant type: single nucleotide variant.
Coding change: c.1324G>C on transcript NM_015213.4 (MANE Select); coding-DNA position 1324, G replaced by C.
Protein change: p.Glu442Gln; replaces glutamic acid 442 with glutamine.
Molecular consequence: missense variant. On other transcripts: non-coding transcript variant (1).
Genome position (GRCh38, 1-based): chr11:9,180,898, C>G on the plus strand (G>C on the coding strand, the complement: DENND5A is on the minus strand). VCF-style: chr11-9180898-C-G. GRCh37 (hg19) VCF-style: chr11-9202445-C-G.
Other names: c.1324G>C, p.Glu442Gln (NM_001243254.2, NM_001348748.1); c.1252G>C, p.Glu418Gln (NM_001348749.2); c.1036G>C, p.Glu346Gln (NM_001348750.2); short protein forms E346Q, E418Q, E442Q.
Identifiers: ClinVar variation 2502452 (VCV002502452.1), dbSNP rs1554919617, ClinGen allele CA379617004.
Genomic context (GRCh38, chr11:9,180,898, plus strand): 5'-GCTCGTAGGAATGCAAAGGGGAGCCAGCAATGTTCCCATTCCTCTTGTCCGAGACAAGCT[C>G]AGAGGCCCGCAGCCTCTTCAGCTTGGAGGCACTCTCACTGCAATGAAGATTCCCTTCAGG-3'
Protein context (NP_056028.2, residues 432-452): ASKLKRLRAS[Glu442Gln]LVSDKRNGNI

ClinVar aggregate classification (germline): Uncertain significance (1 of 4 stars; one submission).

Submission:

GeneDx
Classification: Uncertain significance. Last evaluated: 2022-11-16. Review status: criteria provided, single submitter. Criteria: GeneDx Variant Classification Process June 2021. Collection method: clinical testing. Allele origin: germline. Affected: yes.
Comment: Not observed at significant frequency in large population cohorts (gnomAD); In silico analysis supports that this missense variant does not alter protein structure/function; Has not been previously published as pathogenic or benign to our knowledge